The following is an entry in ClinVar:

ClinVar aggregate classification (germline): Conflicting classifications of pathogenicity. Review status: criteria provided, conflicting classifications (1 of 4 stars). 2 submissions from 2 submitters: Uncertain significance (1); Likely benign (1). Last evaluated 2021-04-27.

Conditions:
Leber congenital amaurosis 4 (LCA4). Identifiers: MedGen C1858386, MONDO:0011458, OMIM 604393.

Submissions (2):

Blueprint Genetics
Classification: Likely benign. Last evaluated: 2021-04-27. Review status: criteria provided, single submitter. Criteria: ACMG Guidelines, 2015. Collection method: clinical testing. Allele origin: germline.

Labcorp Genetics (formerly Invitae), Labcorp
Classification: Uncertain significance for Leber congenital amaurosis 4. Last evaluated: 2019-09-14. Review status: criteria provided, single submitter. Criteria: Invitae Variant Classification Sherloc (09022015). Collection method: clinical testing. Allele origin: germline.
Comment: This variant has not been reported in the literature in individuals with AIPL1-related conditions. This variant is not present in population databases (ExAC no frequency). This sequence change falls in intron 1 of the AIPL1 gene. It does not directly change the encoded amino acid sequence of the AIPL1 protein. In summary, the available evidence is currently insufficient to determine the role of this variant in disease. Therefore, it has been classified as a Variant of Uncertain Significance. Algorithms developed to predict the effect of sequence changes on RNA splicing suggest that this variant may disrupt the consensus splice site, but this prediction has not been confirmed by published transcriptional studies.

NM_014336.5(AIPL1):c.97-10C>G

Gene: AIPL1 (AIP like 1 HSP90 co-chaperone; minus strand). Cytogenetic location: 17p13.2.
Variant type: single nucleotide variant.
Coding change: c.97-10C>G on transcript NM_014336.5 (MANE Select); 10 bases into the intron before coding-DNA position 97, C replaced by G.
Molecular consequence: intron variant.
Genome position (GRCh38, 1-based): chr17:6,434,108, G>C on the plus strand (C>G on the coding strand, the complement: AIPL1 is on the minus strand). VCF-style: chr17-6434108-G-C. GRCh37 (hg19) VCF-style: chr17-6337428-G-C.
Other names: c.96+901C>G (NM_001033055.3); c.97-76C>G (NM_001285400.3); c.97-46C>G (NM_001285399.3); c.97-10C>G (NM_001033054.3, NM_001285401.3, NM_001285403.4); c.-21-10C>G (NM_001285402.2).
Identifiers: ClinVar variation 941470 (VCV000941470.10), dbSNP rs758429483, ClinGen allele CA1139665094.
Genomic context (GRCh38, chr17:6,434,108, plus strand): 5'-AATGACTGTCCGCTCCTCATCACATTTCATGGTGCGGAAATGAAAGATCACCTAGTCACC[G>C]AGACGGTGCACTCTGCTCTAGACACACTGTTCAAGGCCCGGCAGAAGCCACCCCCTTGCC-3'